The following is an entry in ClinVar:

NM_147686.4(TRAF3IP2):c.1396T>A (p.Tyr466Asn)

Genes: TRAF3IP2 (TRAF3 interacting protein 2; minus strand), TRAF3IP2-AS1 (TRAF3IP2 antisense RNA 1; plus strand). Cytogenetic location: 6q21.
Variant type: single nucleotide variant.
Coding change: c.1396T>A on transcript NM_147686.4 (MANE Select); coding-DNA position 1396, T replaced by A.
Protein change: p.Tyr466Asn; replaces tyrosine 466 with asparagine.
Molecular consequence: missense variant.
Genome position (GRCh38, 1-based): chr6:111,566,524, A>T on the plus strand (T>A on the coding strand, the complement: TRAF3IP2 is on the minus strand). VCF-style: chr6-111566524-A-T. GRCh37 (hg19) VCF-style: chr6-111887727-A-T.
Other names: c.1393T>A, p.Tyr465Asn (NM_001164281.3); c.28T>A, p.Tyr10Asn (NM_001164283.3); c.1423T>A, p.Tyr475Asn (NM_147200.3); short protein forms Y465N, Y10N, Y475N, Y466N.
Identifiers: ClinVar variation 950375 (VCV000950375.9), dbSNP rs1795641126, ClinGen allele CA365361390.

ClinVar aggregate classification (germline): Uncertain significance (1 of 4 stars; one submission).

Conditions:
Candidiasis, familial, 8 (CANDF8). Identifiers: Orphanet 1334, MedGen C3714992, MONDO:0014230, OMIM 615527.

Submission:

Labcorp Genetics (formerly Invitae), Labcorp
Classification: Uncertain significance for Candidiasis, familial, 8. Last evaluated: 2019-07-17. Review status: criteria provided, single submitter. Criteria: Invitae Variant Classification Sherloc (09022015). Collection method: clinical testing. Allele origin: germline.
Comment: This sequence change replaces tyrosine with asparagine at codon 466 of the TRAF3IP2 protein (p.Tyr466Asn). The tyrosine residue is highly conserved and there is a large physicochemical difference between tyrosine and asparagine. This variant is not present in population databases (ExAC no frequency). This variant has not been reported in the literature in individuals with TRAF3IP2-related conditions. Algorithms developed to predict the effect of missense changes on protein structure and function (SIFT, PolyPhen-2, Align-GVGD) all suggest that this variant is likely to be disruptive, but these predictions have not been confirmed by published functional studies and their clinical significance is uncertain. In summary, the available evidence is currently insufficient to determine the role of this variant in disease. Therefore, it has been classified as a Variant of Uncertain Significance.